The following is an entry in ClinVar:

NM_153240.5(NPHP3):c.1524+9T>C

Genes: NPHP3 (nephrocystin 3; minus strand), NPHP3-ACAD11 (NPHP3-ACAD11 readthrough (NMD candidate); minus strand). Cytogenetic location: 3q22.1.
Variant type: single nucleotide variant.
Coding change: c.1524+9T>C on transcript NM_153240.5 (MANE Select); 9 bases into the intron after coding-DNA position 1524, T replaced by C.
Molecular consequence: intron variant.
Genome position (GRCh38, 1-based): chr3:132,704,189, A>G on the plus strand (T>C on the coding strand, the complement: NPHP3 is on the minus strand). VCF-style: chr3-132704189-A-G. GRCh37 (hg19) VCF-style: chr3-132423033-A-G.
Identifiers: ClinVar variation 4985515 (VCV004985515.1).

ClinVar aggregate classification (germline): Likely benign (1 of 4 stars; one submission).

Conditions:
NPHP3-related disorder. Also called: NPHP3-related condition; NPHP3-related disorders. Identifiers: MedGen CN379163.

Submission:

PreventionGenetics, part of Exact Sciences
Classification: Likely benign for NPHP3-related condition. Last evaluated: 2026-06-10. Review status: criteria provided, single submitter. Criteria: ACMG Guidelines, 2015. Collection method: clinical testing. Allele origin: germline.
Comment: This variant is classified as likely benign based on ACMG/AMP sequence variant interpretation guidelines (Richards et al. 2015 PMID: 25741868, with internal and published modifications).